The following is an entry in ClinVar:

NM_004725.4(BUB3):c.820C>T (p.Arg274Trp)

Gene: BUB3 (BUB3 mitotic checkpoint protein; plus strand). Cytogenetic location: 10q26.13.
Variant type: single nucleotide variant.
Coding change: c.820C>T on transcript NM_004725.4 (MANE Select); coding-DNA position 820, C replaced by T.
Protein change: p.Arg274Trp; replaces arginine 274 with tryptophan.
Molecular consequence: missense variant.
Genome position (GRCh38, 1-based): chr10:123,162,677, C>T. VCF-style: chr10-123162677-C-T. GRCh37 (hg19) VCF-style: chr10-124922193-C-T.
Other names: c.820C>T, p.Arg274Trp (NM_001007793.3); short protein forms R274W.
Identifiers: ClinVar variation 2496862 (VCV002496862.2), dbSNP rs1004863018, ClinGen allele CA215183697.
Genomic context (GRCh38, chr10:123,162,677, plus strand): 5'-TCTGATGGCTTTGTAAATATTTGGGATCCATTTAACAAAAAGCGACTGTGCCAATTCCAT[C>T]GGTACCCCACGAGCATCGCATCACTTGCCTTCAGTAATGATGGGACTACGCTTGCAATAG-3'
Protein context (NP_004716.1, residues 264-284): FNKKRLCQFH[Arg274Trp]YPTSIASLAF

ClinVar aggregate classification (germline): Uncertain significance (1 of 4 stars; one submission).

Allele frequency attached by ClinVar (database versions not stated): TOPMed 0.00001.
gnomAD v4.1: 13 of 1,607,240 alleles (0.00081%); highest among the groups gnomAD compares: East Asian, 0.0045%; no homozygotes.

Submission:

Ambry Genetics
Classification: Uncertain significance. Last evaluated: 2022-12-12. Review status: criteria provided, single submitter. Criteria: Ambry Variant Classification Scheme 2023. Collection method: clinical testing. Allele origin: germline.
Comment: The p.R274W variant (also known as c.820C>T), located in coding exon 6 of the BUB3 gene, results from a C to T substitution at nucleotide position 820. The arginine at codon 274 is replaced by tryptophan, an amino acid with dissimilar properties. This amino acid position is conserved. In addition, this alteration is predicted to be deleterious by in silico analysis. Since supporting evidence is limited at this time, the clinical significance of this alteration remains unclear.